The following is an entry in ClinVar:

ClinVar aggregate classification (germline): Likely benign. Review status: criteria provided, single submitter (1 of 4 stars). 2 submissions from 2 submitters: Likely benign (1). 1 of the submissions does not count toward it. Last evaluated 2025-09-01.

Conditions:
ITPR3-related disorder. Also called: ITPR3-related condition.

Allele frequency attached by ClinVar (database versions not stated): gnomAD exomes 0.00005; ExAC 0.00011; gnomAD 0.00028; ESP Exome Variant Server 0.00031; TOPMed 0.00042.
gnomAD v4.1: 118 of 1,614,000 alleles (0.0073%); highest among the groups gnomAD compares: African/African-American, 0.11%; 1 homozygote.

Submissions (2):

CeGaT Center for Human Genetics Tuebingen
Classification: Likely benign. Last evaluated: 2025-09-01. Review status: criteria provided, single submitter. Criteria: CeGaT Center For Human Genetics Tuebingen Variant Classification Criteria Version 2. Collection method: clinical testing. Allele origin: germline. Affected: yes. Observed: 1 variant allele.
Comment: ITPR3: BP4, BP7

PreventionGenetics, part of Exact Sciences
Classification: Likely benign for ITPR3-related condition. Last evaluated: 2019-05-02. Review status: no assertion criteria provided. Collection method: clinical testing. Allele origin: germline. Not counted in ClinVar's aggregate classification.
Comment: This variant is classified as likely benign based on ACMG/AMP sequence variant interpretation guidelines (Richards et al. 2015 PMID: 25741868, with internal and published modifications).

NM_002224.4(ITPR3):c.198G>A (p.Ser66=)

Gene: ITPR3 (inositol 1,4,5-trisphosphate receptor type 3; plus strand). Cytogenetic location: 6p21.31.
Variant type: single nucleotide variant.
Coding change: c.198G>A on transcript NM_002224.4 (MANE Select); coding-DNA position 198, G replaced by A.
Protein change: p.Ser66=; no amino-acid change (serine 66 retained).
Molecular consequence: synonymous variant.
Genome position (GRCh38, 1-based): chr6:33,655,803, G>A. VCF-style: chr6-33655803-G-A. GRCh37 (hg19) VCF-style: chr6-33623580-G-A.
Identifiers: ClinVar variation 3055735 (VCV003055735.9), dbSNP rs142283170, ClinGen allele CA3759848.